The following is an entry in ClinVar:

NM_004035.7(ACOX1):c.1465C>T (p.Leu489Phe)

Gene: ACOX1 (acyl-CoA oxidase 1; minus strand). Cytogenetic location: 17q25.1.
Variant type: single nucleotide variant.
Coding change: c.1465C>T on transcript NM_004035.7 (MANE Select); coding-DNA position 1465, C replaced by T.
Protein change: p.Leu489Phe; replaces leucine 489 with phenylalanine.
Molecular consequence: missense variant.
Genome position (GRCh38, 1-based): chr17:75,949,731, G>A on the plus strand (C>T on the coding strand, the complement: ACOX1 is on the minus strand). VCF-style: chr17-75949731-G-A. GRCh37 (hg19) VCF-style: chr17-73945812-G-A.
Other names: c.1351C>T, p.Leu451Phe (NM_001185039.2); c.1465C>T, p.Leu489Phe (NM_007292.6); short protein forms L451F, L489F.
Identifiers: ClinVar variation 2083973 (VCV002083973.1), dbSNP rs2065756587, ClinGen allele CA401060815.
Genomic context (GRCh38, chr17:75,949,731, plus strand): 5'-GCCCCAGCCCCACTGCTGCGTATTCTAGCTCTTGAGGGAGAGCTCACCTGGCTGCACGGA[G>A]TTTATATGCTTCGGTTAGGCTTTCGGGGCTGTTGATATCCACCATGGTTGGCCAGACTGC-3'
Protein context (NP_004026.2, residues 479-499): SPESLTEAYK[Leu489Phe]RAARLVEIAA

ClinVar aggregate classification (germline): Uncertain significance (1 of 4 stars; one submission).

Conditions:
Acyl-CoA oxidase deficiency. Also called: Peroxisomal acyl-CoA oxidase deficiency; STRAIGHT-CHAIN ACYL-CoA OXIDASE DEFICIENCY; Pseudoneonatal adrenoleukodystrophy. Identifiers: Orphanet 2971, MedGen C1849678, MONDO:0009919, OMIM 264470. Disease mechanism: loss of function.

Allele frequency attached by ClinVar (database versions not stated): gnomAD exomes below 0.00001; TOPMed below 0.00001.
gnomAD v4.1: 2 of 1,614,188 alleles (0.00012%); highest among the groups gnomAD compares: Non-Finnish European, 0.00017%; no homozygotes.

Submission:

Labcorp Genetics (formerly Invitae), Labcorp
Classification: Uncertain significance for Acyl-CoA oxidase deficiency. Last evaluated: 2022-01-16. Review status: criteria provided, single submitter. Criteria: Invitae Variant Classification Sherloc (09022015). Collection method: clinical testing. Allele origin: germline.
Comment: This sequence change replaces leucine, which is neutral and non-polar, with phenylalanine, which is neutral and non-polar, at codon 489 of the ACOX1 protein (p.Leu489Phe). This variant is not present in population databases (gnomAD no frequency). This variant has not been reported in the literature in individuals affected with ACOX1-related conditions. Algorithms developed to predict the effect of missense changes on protein structure and function (SIFT, PolyPhen-2, Align-GVGD) all suggest that this variant is likely to be tolerated. In summary, the available evidence is currently insufficient to determine the role of this variant in disease. Therefore, it has been classified as a Variant of Uncertain Significance.